The following is an entry in ClinVar:

NM_001519.4(BRF1):c.1651G>A (p.Gly551Arg)

Gene: BRF1 (BRF1 general transcription factor IIIB subunit; minus strand). Cytogenetic location: 14q32.33.
Variant type: single nucleotide variant.
Coding change: c.1651G>A on transcript NM_001519.4 (MANE Select); coding-DNA position 1651, G replaced by A.
Protein change: p.Gly551Arg; replaces glycine 551 with arginine.
Molecular consequence: missense variant.
Genome position (GRCh38, 1-based): chr14:105,217,665, C>T on the plus strand (G>A on the coding strand, the complement: BRF1 is on the minus strand). VCF-style: chr14-105217665-C-T. GRCh37 (hg19) VCF-style: chr14-105684002-C-T.
Other names: c.1372G>A, p.Gly458Arg (NM_001242786.2); c.1306G>A, p.Gly436Arg (NM_001242787.2); c.1570G>A, p.Gly524Arg (NM_001242788.2); c.937G>A, p.Gly313Arg (NM_001242789.2); c.1039G>A, p.Gly347Arg (NM_145685.3); short protein forms G313R, G347R, G436R, G458R, G524R, G551R.
Identifiers: ClinVar variation 2501847 (VCV002501847.1), dbSNP rs758692793, ClinGen allele CA7387038.

ClinVar aggregate classification (germline): Uncertain significance (1 of 4 stars; one submission).

Allele frequency attached by ClinVar (database versions not stated): TOPMed below 0.00001; ExAC 0.00001; gnomAD 0.00001.
gnomAD v4.1: 7 of 1,613,256 alleles (0.00043%); highest among the groups gnomAD compares: African/African-American, 0.0027%; no homozygotes.

Submission:

GeneDx
Classification: Uncertain significance. Last evaluated: 2022-11-10. Review status: criteria provided, single submitter. Criteria: GeneDx Variant Classification Process June 2021. Collection method: clinical testing. Allele origin: germline. Affected: yes.
Comment: Not observed at significant frequency in large population cohorts (gnomAD); In silico analysis supports that this missense variant has a deleterious effect on protein structure/function; Has not been previously published as pathogenic or benign to our knowledge